The following is an entry in ClinVar:

ClinVar aggregate classification (germline): Uncertain significance (0 of 4 stars; one submission).

Conditions:
LEPR-related disorder. Also called: LEPR-related disorders; LEPR-related condition.

Allele frequency attached by ClinVar (database versions not stated): ExAC 0.00001; gnomAD exomes 0.00001; gnomAD 0.00004; TOPMed 0.00004; 1000 Genomes Project 30x 0.00031; 1000 Genomes Project 0.00040.
gnomAD v4.1: 11 of 1,614,116 alleles (0.00068%); highest among the groups gnomAD compares: African/African-American, 0.008%; no homozygotes.

Submission:

PreventionGenetics, part of Exact Sciences
Classification: Uncertain significance for LEPR-related condition. Last evaluated: 2023-12-19. Review status: no assertion criteria provided. Collection method: clinical testing. Allele origin: germline.
Comment: The LEPR c.1531A>G variant is predicted to result in the amino acid substitution p.Met511Val. To our knowledge, this variant has not been reported in the literature. This variant is reported in 0.016% of alleles in individuals of African descent in gnomAD. At this time, the clinical significance of this variant is uncertain due to the absence of conclusive functional and genetic evidence.

NM_002303.6(LEPR):c.1531A>G (p.Met511Val)

Gene: LEPR (leptin receptor; plus strand). Cytogenetic location: 1p31.3.
Variant type: single nucleotide variant.
Coding change: c.1531A>G on transcript NM_002303.6 (MANE Select); coding-DNA position 1531, A replaced by G.
Protein change: p.Met511Val; replaces methionine 511 with valine.
Molecular consequence: missense variant.
Genome position (GRCh38, 1-based): chr1:65,605,165, A>G. VCF-style: chr1-65605165-A-G. GRCh37 (hg19) VCF-style: chr1-66070848-A-G.
Other names: c.1531A>G, p.Met511Val (NM_001003679.3, NM_001003680.3, NM_001198687.2 and 2 more transcripts); short protein forms M511V.
Identifiers: ClinVar variation 3046223 (VCV003046223.2), dbSNP rs559909232, ClinGen allele CA894823.
Genomic context (GRCh38, chr1:65,605,165, plus strand): 5'-CAGAGTGATGGTTTTTATGAATGCATTTTCCAGCCAATCTTCCTATTATCTGGCTACACA[A>G]TGTGGATTAGGATCAATCACTCTCTAGGTTCACTTGACTCTCCACCAACATGTGTCCTTC-3'
Protein context (NP_002294.2, residues 501-521): QPIFLLSGYT[Met511Val]WIRINHSLGS